The following is an entry in ClinVar:

NM_133372.3(FNIP1):c.66C>G (p.Asp22Glu)

Genes: FNIP1 (folliculin interacting protein 1; minus strand), LOC129994555 (ATAC-STARR-seq lymphoblastoid silent region 16308; plus strand). Cytogenetic location: 5q31.1.
Variant type: single nucleotide variant.
Coding change: c.66C>G on transcript NM_133372.3 (MANE Select); coding-DNA position 66, C replaced by G.
Protein change: p.Asp22Glu; replaces aspartic acid 22 with glutamic acid.
Molecular consequence: missense variant.
Genome position (GRCh38, 1-based): chr5:131,796,856, G>C on the plus strand (C>G on the coding strand, the complement: FNIP1 is on the minus strand). VCF-style: chr5-131796856-G-C. GRCh37 (hg19) VCF-style: chr5-131132549-G-C.
Other names: c.66C>G, p.Asp22Glu (NM_001008738.3, NM_001346113.2, NM_001346114.2); short protein forms D22E.
Identifiers: ClinVar variation 2078799 (VCV002078799.1), dbSNP rs1017153391, ClinGen allele CA127841881.

ClinVar aggregate classification (germline): Uncertain significance (1 of 4 stars; one submission).

Allele frequency attached by ClinVar (database versions not stated): gnomAD 0.00003; TOPMed 0.00003.
gnomAD v4.1: 30 of 1,604,104 alleles (0.0019%); highest among the groups gnomAD compares: African/African-American, 0.0027%; no homozygotes.

Submission:

Labcorp Genetics (formerly Invitae), Labcorp
Classification: Uncertain significance. Last evaluated: 2022-08-05. Review status: criteria provided, single submitter. Criteria: Invitae Variant Classification Sherloc (09022015). Collection method: clinical testing. Allele origin: germline.
Comment: This sequence change replaces aspartic acid, which is acidic and polar, with glutamic acid, which is acidic and polar, at codon 22 of the FNIP1 protein (p.Asp22Glu). This variant is present in population databases (no rsID available, gnomAD 0.001%). This variant has not been reported in the literature in individuals affected with FNIP1-related conditions. Algorithms developed to predict the effect of missense changes on protein structure and function (SIFT, PolyPhen-2, Align-GVGD) all suggest that this variant is likely to be tolerated. In summary, the available evidence is currently insufficient to determine the role of this variant in disease. Therefore, it has been classified as a Variant of Uncertain Significance.